The following is an entry in ClinVar:

NM_014516.4(CNOT3):c.234A>G (p.Ile78Met)

Gene: CNOT3 (CCR4-NOT transcription complex subunit 3; plus strand). Cytogenetic location: 19q13.42.
Variant type: single nucleotide variant.
Coding change: c.234A>G on transcript NM_014516.4 (MANE Select); coding-DNA position 234, A replaced by G.
Protein change: p.Ile78Met; replaces isoleucine 78 with methionine.
Molecular consequence: missense variant. On other transcripts: non-coding transcript variant (2), 5 prime UTR variant (2).
Genome position (GRCh38, 1-based): chr19:54,143,725, A>G. VCF-style: chr19-54143725-A-G. GRCh37 (hg19) VCF-style: chr19-54647461-A-G.
Other names: c.234A>G, p.Ile78Met (NM_001440653.1, NM_001440654.1, NM_001440655.1 and 7 more transcripts); c.-366A>G (NM_001440659.1, NM_001440660.1); short protein forms I78M.
Identifiers: ClinVar variation 4883673 (VCV004883673.2).

ClinVar aggregate classification (germline): Uncertain significance (1 of 4 stars; one submission).

Conditions:
Intellectual developmental disorder with speech delay, autism, and dysmorphic facies. Identifiers: MedGen C5231456, MONDO:0032864, OMIM 618672.

Submission:

Dasa
Classification: Uncertain significance for Intellectual developmental disorder with speech delay, autism, and dysmorphic facies. Last evaluated: 2024-10-21. Review status: criteria provided, single submitter. Criteria: DASA Assertion Criteria. Collection method: clinical testing. Allele origin: germline.
Comment: NM_014516.4(CNOT3):c.234A>G (p.Ile78Met) is a missense variant that results in the substitution of isoleucine with methionine. This variant is absent from population databases. Computational prediction algorithms are consistent with a benign effect. The currently available literature and clinical evidence are not sufficient to establish a definitive association between this variant and the reported condition. Therefore, this variant is classified as a variant of uncertain significance.